The following is an entry in ClinVar:

ClinVar aggregate classification (germline): Uncertain significance. Review status: criteria provided, multiple submitters, no conflicts (2 of 4 stars). 2 submissions from 2 submitters: Uncertain significance (2). Last evaluated 2024-12-02.

Conditions:
Inborn genetic diseases. Identifiers: MedGen C0950123, MeSH D030342.

Submissions (2):

Labcorp Genetics (formerly Invitae), Labcorp
Classification: Uncertain significance. Last evaluated: 2024-12-02. Review status: criteria provided, single submitter. Criteria: Invitae Variant Classification Sherloc (09022015). Collection method: clinical testing. Allele origin: germline.
Comment: This sequence change replaces phenylalanine, which is neutral and non-polar, with tyrosine, which is neutral and polar, at codon 12 of the PLK4 protein (p.Phe12Tyr). This variant is not present in population databases (gnomAD no frequency). This variant has not been reported in the literature in individuals affected with PLK4-related conditions. ClinVar contains an entry for this variant (Variation ID: 2077885). An algorithm developed to predict the effect of missense changes on protein structure and function (PolyPhen-2) suggests that this variant is likely to be disruptive. In summary, the available evidence is currently insufficient to determine the role of this variant in disease. Therefore, it has been classified as a Variant of Uncertain Significance.

Ambry Genetics
Classification: Uncertain significance for Inborn genetic diseases. Last evaluated: 2022-06-03. Review status: criteria provided, single submitter. Criteria: Ambry Variant Classification Scheme 2023. Collection method: clinical testing. Allele origin: germline.

NM_014264.5(PLK4):c.35T>A (p.Phe12Tyr)

Gene: PLK4 (polo like kinase 4; plus strand). Cytogenetic location: 4q28.1.
Variant type: single nucleotide variant.
Coding change: c.35T>A on transcript NM_014264.5 (MANE Select); coding-DNA position 35, T replaced by A.
Protein change: p.Phe12Tyr; replaces phenylalanine 12 with tyrosine.
Molecular consequence: missense variant. On other transcripts: 5 prime UTR variant (1).
Genome position (GRCh38, 1-based): chr4:127,881,835, T>A. VCF-style: chr4-127881835-T-A. GRCh37 (hg19) VCF-style: chr4-128802990-T-A.
Other names: c.35T>A, p.Phe12Tyr (NM_001190799.2); c.-89T>A (NM_001190801.2); short protein forms F12Y.
Identifiers: ClinVar variation 2077885 (VCV002077885.5), dbSNP rs1734942272, ClinGen allele CA358167006.
Genomic context (GRCh38, chr4:127,881,835, plus strand): 5'-CCATCTTCCTTTCTACTGTGAGTCATCACACATAATCTTTAATTTTAACTTTTAAGGATT[T>A]TAAAGTTGGAAATCTGCTTGGTAAAGGATCATTTGCTGGTGTCTACAGAGCTGAGTCCAT-3'
Protein context (NP_055079.3, residues 2-22): ATCIGEKIED[Phe12Tyr]KVGNLLGKGS